The following is an entry in ClinVar:

ClinVar aggregate classification (germline): Uncertain significance. Review status: criteria provided, multiple submitters, no conflicts (2 of 4 stars). 2 submissions from 2 submitters: Uncertain significance (2). Last evaluated 2024-05-22.

gnomAD v4.1: 1 of 1,613,818 alleles (0.000062%); highest among the groups gnomAD compares: Non-Finnish European, 0.000085%; no homozygotes.

Submissions (2):

Ambry Genetics
Classification: Uncertain significance. Last evaluated: 2024-05-22. Review status: criteria provided, single submitter. Criteria: Ambry Variant Classification Scheme 2023. Collection method: clinical testing. Allele origin: germline.
Comment: The p.I314S variant (also known as c.941T>G), located in coding exon 9 of the A2ML1 gene, results from a T to G substitution at nucleotide position 941. The isoleucine at codon 314 is replaced by serine, an amino acid with dissimilar properties. This amino acid position is conserved. In addition, the in silico prediction for this alteration is inconclusive. Based on the available evidence, the clinical significance of this variant remains unclear.

Women's Health and Genetics/Laboratory Corporation of America, LabCorp
Classification: Uncertain significance. Last evaluated: 2022-02-12. Review status: criteria provided, single submitter. Criteria: LabCorp Variant Classification Summary - May 2015. Collection method: clinical testing. Allele origin: germline.

NM_144670.6(A2ML1):c.941T>G (p.Ile314Ser)

Gene: A2ML1 (alpha-2-macroglobulin like 1; plus strand). Cytogenetic location: 12p13.31.
Variant type: single nucleotide variant.
Coding change: c.941T>G on transcript NM_144670.6 (MANE Select); coding-DNA position 941, T replaced by G.
Protein change: p.Ile314Ser; replaces isoleucine 314 with serine.
Molecular consequence: missense variant.
Genome position (GRCh38, 1-based): chr12:8,838,421, T>G. VCF-style: chr12-8838421-T-G. GRCh37 (hg19) VCF-style: chr12-8991017-T-G.
Other names: c.941T>G (NM_144670.3); short protein forms I314S.
Identifiers: ClinVar variation 1343746 (VCV001343746.2), dbSNP rs889804273, ClinGen allele CA383823456.
Genomic context (GRCh38, chr12:8,838,421, plus strand): 5'-CACCTGTGGACATGGCCACCTTTGACCTCATTGGATATGCGTACAGCCATCAAATCAATA[T>G]TGTGGCTACTGTTGTGGAGGAAGGGACAGGTAAGTAGGGTGCTCCTTGGCTCATTAAGAA-3'
Protein context (NP_653271.3, residues 304-324): IGYAYSHQIN[Ile314Ser]VATVVEEGTG